The following is an entry in ClinVar:

ClinVar aggregate classification (germline): Uncertain significance (1 of 4 stars; one submission).

Allele frequency attached by ClinVar (database versions not stated): TOPMed below 0.00001.

Submission:

Greenwood Genetic Center Diagnostic Laboratories, Greenwood Genetic Center
Classification: Uncertain significance. Last evaluated: 2024-03-05. Review status: criteria provided, single submitter. Criteria: ACMG Guidelines, 2015. Collection method: clinical testing. Allele origin: germline. Affected: yes.
Comment: PM2

NM_001348716.2(KDM6B):c.263G>A (p.Gly88Glu)

Gene: KDM6B (lysine demethylase 6B; plus strand). Cytogenetic location: 17p13.1.
Variant type: single nucleotide variant.
Coding change: c.263G>A on transcript NM_001348716.2 (MANE Select); coding-DNA position 263, G replaced by A.
Protein change: p.Gly88Glu; replaces glycine 88 with glutamic acid.
Molecular consequence: missense variant.
Genome position (GRCh38, 1-based): chr17:7,846,104, G>A. VCF-style: chr17-7846104-G-A. GRCh37 (hg19) VCF-style: chr17-7749422-G-A.
Other names: c.263G>A, p.Gly88Glu (NM_001080424.2); short protein forms G88E.
Identifiers: ClinVar variation 3235777 (VCV003235777.1), dbSNP rs1399016072, ClinGen allele CA397910760.
Genomic context (GRCh38, chr17:7,846,104, plus strand): 5'-CCCCACCCACACCCCCACCCCTTCTGCTCTGTAGGGCGCCCACTCCAAGACCCCTCCATG[G>A]GAAGCTGGAATCCCTGCATGGCTGTGTGCAGGCATTGCTCCGGGAGCCAGCCCAGCCAGG-3'
Protein context (NP_001335645.1, residues 78-98): PGAPTPRPLH[Gly88Glu]KLESLHGCVQ